The following is an entry in ClinVar:

NM_022489.4(INF2):c.2855C>T (p.Pro952Leu)

Gene: INF2 (inverted formin 2; plus strand). Cytogenetic location: 14q32.33.
Variant type: single nucleotide variant.
Coding change: c.2855C>T on transcript NM_022489.4 (MANE Select); coding-DNA position 2855, C replaced by T.
Protein change: p.Pro952Leu; replaces proline 952 with leucine.
Molecular consequence: missense variant.
Genome position (GRCh38, 1-based): chr14:104,713,286, C>T. VCF-style: chr14-104713286-C-T. GRCh37 (hg19) VCF-style: chr14-105179623-C-T.
Other names: c.2855C>T, p.Pro952Leu (NM_001031714.4); short protein forms P952L.
Identifiers: ClinVar variation 2126382 (VCV002126382.4), dbSNP rs2541947097, ClinGen allele CA391222785.

ClinVar aggregate classification (germline): Uncertain significance (1 of 4 stars; one submission).

Conditions:
Focal segmental glomerulosclerosis 5 (FSGS5). Identifiers: Orphanet 656, MedGen C2750475, MONDO:0013191, OMIM 613237.
Charcot-Marie-Tooth disease dominant intermediate E. Also called: CHARCOT-MARIE-TOOTH NEUROPATHY WITH FOCAL SEGMENTAL GLOMERULONEPHRITIS. Identifiers: Orphanet 93114, MedGen C4302667, MONDO:0013758, OMIM 614455.

Allele frequency attached by ClinVar (database versions not stated): gnomAD exomes below 0.00001.
gnomAD v4.1: 1 of 1,550,464 alleles (0.000064%); highest among the groups gnomAD compares: Non-Finnish European, 0.000087%; no homozygotes.

Submission:

Labcorp Genetics (formerly Invitae), Labcorp
Classification: Uncertain significance for Charcot-Marie-Tooth disease dominant intermediate E; Focal segmental glomerulosclerosis 5. Last evaluated: 2022-04-15. Review status: criteria provided, single submitter. Criteria: Invitae Variant Classification Sherloc (09022015). Collection method: clinical testing. Allele origin: germline.
Comment: In summary, the available evidence is currently insufficient to determine the role of this variant in disease. Therefore, it has been classified as a Variant of Uncertain Significance. Algorithms developed to predict the effect of missense changes on protein structure and function output the following: SIFT: "Tolerated"; PolyPhen-2: "Not Available"; Align-GVGD: "Class C0". The leucine amino acid residue is found in multiple mammalian species, which suggests that this missense change does not adversely affect protein function. This variant has not been reported in the literature in individuals affected with INF2-related conditions. This variant is not present in population databases (gnomAD no frequency). This sequence change replaces proline, which is neutral and non-polar, with leucine, which is neutral and non-polar, at codon 952 of the INF2 protein (p.Pro952Leu).